The following is an entry in ClinVar:

ClinVar aggregate classification (germline): Pathogenic (1 of 4 stars; one submission).

Submission:

Medical Genetic Center, Changzhi Maternal and Child Health Care Hospital
Classification: Pathogenic. Last evaluated: 2025-12-10. Review status: criteria provided, single submitter. Criteria: ACMG/ClinGen CNV Guidelines, 2019. Collection method: clinical testing. Allele origin: unknown.
Comment: 2A:1q21.1 recurrent region (distal, BP3-BP4) (includes GJA5)

GRCh38/hg38 1q21.1-21.2(chr1:146999427-148413447)x1

Genes: ACP6 (acid phosphatase 6, lysophosphatidic; minus strand), BCL9 (BCL9 transcription coactivator; plus strand), CHD1L (chromodomain helicase DNA binding protein 1 like; plus strand), FMO5 (flavin containing dimethylaniline monoxygenase 5; minus strand), GJA5 (gap junction protein alpha 5; minus strand) and 51 more. Cytogenetic location: 1q21.1-21.2.
Variant type: copy number loss.
Change: copy number 1 (one copy instead of two) of chr1:146,999,427-148,413,447 (1.41 Mb, GRCh38 coordinates, 1-based), cytogenetic band 1q21.1-21.2.
Identifiers: ClinVar variation 4796332 (VCV004796332.1).